The following is an entry in ClinVar:

NM_003098.3(SNTA1):c.751G>A (p.Ala251Thr)

Gene: SNTA1 (syntrophin alpha 1; minus strand). Cytogenetic location: 20q11.21.
Variant type: single nucleotide variant.
Coding change: c.751G>A on transcript NM_003098.3 (MANE Select); coding-DNA position 751, G replaced by A.
Protein change: p.Ala251Thr; replaces alanine 251 with threonine.
Molecular consequence: missense variant.
Genome position (GRCh38, 1-based): chr20:33,412,733, C>T on the plus strand (G>A on the coding strand, the complement: SNTA1 is on the minus strand). VCF-style: chr20-33412733-C-T. GRCh37 (hg19) VCF-style: chr20-32000539-C-T.
Other names: short protein forms A251T.
Identifiers: ClinVar variation 1759324 (VCV001759324.2), dbSNP rs1192364082, ClinGen allele CA408631825.

ClinVar aggregate classification (germline): Uncertain significance (1 of 4 stars; one submission).

Conditions:
Cardiovascular phenotype. Identifiers: MedGen CN230736.

Allele frequency attached by ClinVar (database versions not stated): gnomAD exomes below 0.00001; gnomAD 0.00002.
gnomAD v4.1: 4 of 1,613,268 alleles (0.00025%); highest among the groups gnomAD compares: African/African-American, 0.0053%; no homozygotes.

Submission:

Ambry Genetics
Classification: Uncertain significance for Cardiovascular phenotype. Last evaluated: 2021-10-11. Review status: criteria provided, single submitter. Criteria: Ambry Variant Classification Scheme 2023. Collection method: clinical testing. Allele origin: germline.
Comment: The p.A251T variant (also known as c.751G>A), located in coding exon 4 of the SNTA1 gene, results from a G to A substitution at nucleotide position 751. The alanine at codon 251 is replaced by threonine, an amino acid with similar properties. This amino acid position is conserved. In addition, this alteration is predicted to be tolerated by in silico analysis. Since supporting evidence is limited at this time, the clinical significance of this alteration remains unclear.